The following is an entry in ClinVar:

NM_138420.4(AHNAK2):c.8493C>T (p.Ser2831=)

Gene: AHNAK2 (AHNAK nucleoprotein 2; minus strand). Cytogenetic location: 14q32.33.
Variant type: single nucleotide variant.
Coding change: c.8493C>T on transcript NM_138420.4 (MANE Select); coding-DNA position 8493, C replaced by T.
Protein change: p.Ser2831=; no amino-acid change (serine 2831 retained).
Molecular consequence: synonymous variant.
Genome position (GRCh38, 1-based): chr14:104,946,958, G>A on the plus strand (C>T on the coding strand, the complement: AHNAK2 is on the minus strand). VCF-style: chr14-104946958-G-A. GRCh37 (hg19) VCF-style: chr14-105413295-G-A.
Other names: c.8193C>T, p.Ser2731= (NM_001350929.2).
Identifiers: ClinVar variation 2644702 (VCV002644702.24), dbSNP rs752024438, ClinGen allele CA7380063.

ClinVar aggregate classification (germline): Likely benign (1 of 4 stars; one submission).

Allele frequency attached by ClinVar (database versions not stated): gnomAD exomes 0.00015; gnomAD 0.00020; ExAC 0.00031; TOPMed 0.00033.
gnomAD v4.1: 268 of 1,612,228 alleles (0.017%); highest among the groups gnomAD compares: Middle Eastern, 0.26%; 1 homozygote.

Submission:

CeGaT Center for Human Genetics Tuebingen
Classification: Likely benign. Last evaluated: 2022-09-01. Review status: criteria provided, single submitter. Criteria: CeGaT Center For Human Genetics Tuebingen Variant Classification Criteria Version 2. Collection method: clinical testing. Allele origin: germline. Affected: yes. Observed: 1 variant allele.
Comment: AHNAK2: BP4, BP7